The following is an entry in ClinVar:

ClinVar aggregate classification (germline): Likely benign (0 of 4 stars; one submission).

Conditions:
CADPS-related disorder. Also called: CADPS-related condition.

Submission:

PreventionGenetics, part of Exact Sciences
Classification: Likely benign for CADPS-related condition. Last evaluated: 2019-03-25. Review status: no assertion criteria provided. Collection method: clinical testing. Allele origin: germline.
Comment: This variant is classified as likely benign based on ACMG/AMP sequence variant interpretation guidelines (Richards et al. 2015 PMID: 25741868, with internal and published modifications).

NM_003716.4(CADPS):c.258C>T (p.Gly86=)

Gene: CADPS (calcium dependent secretion activator; minus strand). Cytogenetic location: 3p14.2.
Variant type: single nucleotide variant.
Coding change: c.258C>T on transcript NM_003716.4 (MANE Select); coding-DNA position 258, C replaced by T.
Protein change: p.Gly86=; no amino-acid change (glycine 86 retained).
Molecular consequence: synonymous variant.
Genome position (GRCh38, 1-based): chr3:62,874,772, G>A on the plus strand (C>T on the coding strand, the complement: CADPS is on the minus strand). VCF-style: chr3-62874772-G-A. GRCh37 (hg19) VCF-style: chr3-62860447-G-A.
Other names: c.258C>T, p.Gly86= (NM_183393.3, NM_183394.3).
Identifiers: ClinVar variation 3045953 (VCV003045953.2), dbSNP rs2547612315, ClinGen allele CA434137816.